The following is an entry in ClinVar:

NM_001184727.2(GPRASP1):c.1698C>T (p.Ile566=)

Genes: ARMCX5-GPRASP2 (ARMCX5-GPRASP2 readthrough; plus strand), GPRASP1 (G protein-coupled receptor associated sorting protein 1; plus strand). Cytogenetic location: Xq22.1.
Variant type: single nucleotide variant.
Coding change: c.1698C>T on transcript NM_001184727.2 (MANE Select); coding-DNA position 1698, C replaced by T.
Protein change: p.Ile566=; no amino-acid change (isoleucine 566 retained).
Molecular consequence: synonymous variant. On other transcripts: intron variant (2).
Genome position (GRCh38, 1-based): chrX:102,655,611, C>T. VCF-style: chrX-102655611-C-T. GRCh37 (hg19) VCF-style: chrX-101910539-C-T.
Other names: c.1698C>T, p.Ile566= (NM_001099410.2, NM_001099411.2, NM_014710.5); c.-480+49958C>T (NM_001199818.1); c.-966+49958C>T (NM_001350268.2).
Identifiers: ClinVar variation 2661081 (VCV002661081.24), dbSNP rs147874927, ClinGen allele CA10476153.

ClinVar aggregate classification (germline): Likely benign (1 of 4 stars; one submission).

Allele frequency attached by ClinVar (database versions not stated): gnomAD 0.00017; ExAC 0.00021; TOPMed 0.00022; ESP Exome Variant Server 0.00028; gnomAD exomes 0.00032.

Submission:

CeGaT Center for Human Genetics Tuebingen
Classification: Likely benign. Last evaluated: 2022-12-01. Review status: criteria provided, single submitter. Criteria: CeGaT Center For Human Genetics Tuebingen Variant Classification Criteria Version 2. Collection method: clinical testing. Allele origin: germline. Affected: yes. Observed: 1 variant allele.
Comment: GPRASP1: BP4, BP7, BS2